The following is an entry in ClinVar:

NM_005629.4(SLC6A8):c.191_193del (p.Ser64del)

Gene: SLC6A8 (solute carrier family 6 member 8; plus strand). Cytogenetic location: Xq28.
Variant type: Deletion.
Coding change: c.191_193del on transcript NM_005629.4 (MANE Select); coding-DNA positions 191 to 193, 3 bases deleted (CGT; older notation c.191_193delCGT).
Protein change: p.Ser64del; deletes serine 64.
Molecular consequence: inframe deletion.
Genome position (GRCh38, 1-based): chrX:153,688,765-153,688,767, CGT deleted; deleting any 3 consecutive bases within chrX:153,688,763-153,688,767 gives the same sequence; the c. name uses the placement nearest the transcript's 3' end. VCF-style (leftmost placement, unchanged base first): chrX-153688762-TGTC-T. GRCh37 (hg19) VCF-style: chrX-152954217-TGTC-T.
Other names: NM_005629.4(SLC6A8):c.191_193del; p.Ser64del; c.191_193del, p.Ser64del (NM_001142805.2); short protein forms S64del.
Identifiers: ClinVar variation 1023481 (VCV001023481.9), dbSNP rs2091437670, ClinGen allele CA2466435899.

ClinVar aggregate classification (germline): Likely pathogenic. Review status: reviewed by expert panel (3 of 4 stars). 2 submissions from 2 submitters: Likely pathogenic (1). 1 of the submissions does not count toward it. Last evaluated 2023-12-14.

Conditions:
Creatine transporter deficiency (CCDS1). Also called: CEREBRAL CREATINE DEFICIENCY SYNDROME 1; Mental retardation , X-linked with seizures, short stature and midface hypoplasia; Mental retardation , X-linked, with creatine transport deficiency; X-linked creatine transporter deficiency; X-linked creatine deficiency syndrome; SLC6A8-Related Creatine Transporter Deficiency. Identifiers: Orphanet 52503, MedGen C1845862, MONDO:0010305, OMIM 300352.

Submissions (2):

ClinGen Cerebral Creatine Deficiency Syndromes Variant Curation Expert Panel, ClinGen
Classification: Likely pathogenic for Creatine transporter deficiency. Last evaluated: 2023-12-14. Review status: reviewed by expert panel. Criteria: ClinGen_CCDS_ACMG_Specifications_SLC6A8_v1.1. Collection method: curation. Allele origin: germline. Inheritance: X-linked inheritance.
Comment: The NM_005629.4(SLC6A8):c.191_193del variant is a deletion of three nucleotides within exon 1/13 of the SLC6A8 gene, and is predicted to lead to the in-frame deletion of a single amino acid, (p.Ser64del). This variant is absent from gnomAD v4.0.0, (PM2_Supporting), and is predicted to cause a change in the length of the protein (p.Ser64del) (PM4). The NM_005629.4(SLC6A8):c.191_193del (p.Ser64del) variant is scored 0.82895 by MutPred-Indel, which meets the range for PP3_Met by Pejaver et al. 2022. Urine analysis showed elevated creatine:creatinine ratios, and a diminished creatine peak via brain MRS (PMID:36752093) (PP4_Strong). In summary, the NM_005629.4(SLC6A8):c.191_193del (p.Ser64del) variant meets the criteria to be classified as Likely Pathogenic for Creatine Transporter Deficiency based on the ACMG/AMP criteria applied, as specified by the ClinGen Cerebral Creatine Deficiency Syndromes Variant Curation Expert Panel (Specifications Version 1.1.0). PM2_Supporting, PM4, PP4_Strong, PP3. (Classification approved by the ClinGen CCDS VCEP on December 14, 2023)

Labcorp Genetics (formerly Invitae), Labcorp
Classification: Uncertain significance for Creatine transporter deficiency. Last evaluated: 2020-06-27. Review status: criteria provided, single submitter. Criteria: Invitae Variant Classification Sherloc (09022015). Collection method: clinical testing. Allele origin: germline. Not counted in ClinVar's aggregate classification.
Comment: In summary, the available evidence is currently insufficient to determine the role of this variant in disease. Therefore, it has been classified as a Variant of Uncertain Significance. Experimental studies and prediction algorithms are not available or were not evaluated, and the functional significance of this variant is currently unknown. This variant has been observed in individual(s) with SLC6A8-related conditions (Invitae). This variant is not present in population databases (ExAC no frequency). This variant, c.191_193del, results in the deletion of 1 amino acid(s) of the SLC6A8 protein (p.Ser64del), but otherwise preserves the integrity of the reading frame.